The following is an entry in ClinVar:

ClinVar aggregate classification (germline): Uncertain significance (1 of 4 stars; one submission).

Conditions:
Inborn genetic diseases. Identifiers: MedGen C0950123, MeSH D030342.

Submission:

Ambry Genetics
Classification: Uncertain significance for Inborn genetic diseases. Last evaluated: 2026-03-09. Review status: criteria provided, single submitter. Criteria: Ambry Variant Classification Scheme 2023. Collection method: clinical testing. Allele origin: germline.
Comment: The p.K402N variant (also known as c.1206G>T), located in coding exon 9 of the BUB1B gene, results from a G to T substitution at nucleotide position 1206. The lysine at codon 402 is replaced by asparagine, an amino acid with similar properties. This amino acid position is conserved. In addition, this alteration is predicted to be tolerated by in silico analysis. Based on the available evidence, the clinical significance of this variant remains unclear.

NM_001211.6(BUB1B):c.1206G>T (p.Lys402Asn)

Gene: BUB1B (BUB1 mitotic checkpoint serine/threonine kinase B; plus strand). Cytogenetic location: 15q15.1.
Variant type: single nucleotide variant.
Coding change: c.1206G>T on transcript NM_001211.6 (MANE Select); coding-DNA position 1206, G replaced by T.
Protein change: p.Lys402Asn; replaces lysine 402 with asparagine.
Molecular consequence: missense variant.
Genome position (GRCh38, 1-based): chr15:40,196,692, G>T. VCF-style: chr15-40196692-G-T. GRCh37 (hg19) VCF-style: chr15-40488893-G-T.
Other names: short protein forms K402N.
Identifiers: ClinVar variation 4826657 (VCV004826657.1).